The following is an entry in ClinVar:

NM_004984.4(KIF5A):c.997G>A (p.Val333Ile)

Gene: KIF5A (kinesin family member 5A; plus strand). Cytogenetic location: 12q13.3.
Variant type: single nucleotide variant.
Coding change: c.997G>A on transcript NM_004984.4 (MANE Select); coding-DNA position 997, G replaced by A.
Protein change: p.Val333Ile; replaces valine 333 with isoleucine.
Molecular consequence: missense variant.
Genome position (GRCh38, 1-based): chr12:57,569,563, G>A. VCF-style: chr12-57569563-G-A. GRCh37 (hg19) VCF-style: chr12-57963346-G-A.
Other names: c.730G>A, p.Val244Ile (NM_001354705.2); short protein forms V244I, V333I.
Identifiers: ClinVar variation 2909588 (VCV002909588.3), dbSNP rs1385454359, ClinGen allele CA385502287.
Genomic context (GRCh38, chr12:57,569,563, plus strand): 5'-CTCATTTCTTTGTTCCTCTTCTCCTCACCCAGGGCAAAGACCATTAAGAACACTGCCTCA[G>A]TAAATTTGGAGTTGACTGCTGAGCAGTGGAAGAAGAAATATGAGAAGGAGAAGGAGAAGA-3'
Protein context (NP_004975.2, residues 323-343): RAKTIKNTAS[Val333Ile]NLELTAEQWK

ClinVar aggregate classification (germline): Uncertain significance (1 of 4 stars; one submission).

Conditions:
Spastic paraplegia. Identifiers: MedGen C0037772, HP:0001258.

Allele frequency attached by ClinVar (database versions not stated): gnomAD 0.00001; TOPMed 0.00001.
gnomAD v4.1: 1 of 1,613,992 alleles (0.000062%); highest among the groups gnomAD compares: Non-Finnish European, 0.000085%; no homozygotes.

Submission:

Labcorp Genetics (formerly Invitae), Labcorp
Classification: Uncertain significance for Spastic paraplegia. Last evaluated: 2022-12-18. Review status: criteria provided, single submitter. Criteria: Invitae Variant Classification Sherloc (09022015). Collection method: clinical testing. Allele origin: germline.
Comment: In summary, the available evidence is currently insufficient to determine the role of this variant in disease. Therefore, it has been classified as a Variant of Uncertain Significance. Advanced modeling of protein sequence and biophysical properties (such as structural, functional, and spatial information, amino acid conservation, physicochemical variation, residue mobility, and thermodynamic stability) has been performed at Invitae for this missense variant, however the output from this modeling did not meet the statistical confidence thresholds required to predict the impact of this variant on KIF5A protein function. This variant has not been reported in the literature in individuals affected with KIF5A-related conditions. This variant is not present in population databases (gnomAD no frequency). This sequence change replaces valine, which is neutral and non-polar, with isoleucine, which is neutral and non-polar, at codon 333 of the KIF5A protein (p.Val333Ile).